The following is an entry in ClinVar:

NM_001267550.2(TTN):c.90699del (p.Phe30234fs)

Genes: TTN-AS1 (TTN antisense RNA 1; plus strand), TTN (titin; minus strand). Cytogenetic location: 2q31.2.
Variant type: Deletion.
Coding change: c.90699del on transcript NM_001267550.2 (MANE Select); coding-DNA position 90699, one base deleted (A; older notation c.90699delA).
Protein change: p.Phe30234fs; shifts the reading frame from phenylalanine 30234.
Molecular consequence: frameshift variant.
Genome position (GRCh38, 1-based): chr2:178,552,201, T deleted on the plus strand (A on the coding strand, the reverse complement: TTN is on the minus strand). VCF-style (leftmost placement, unchanged base first): chr2-178552200-AT-A. GRCh37 (hg19) VCF-style: chr2-179416927-AT-A.
Other names: c.85776del, p.Phe28593fs (NM_001256850.1); c.63504del, p.Phe21169fs (NM_003319.4); c.82995del, p.Phe27666fs (NM_133378.4); c.63879del, p.Phe21294fs (NM_133432.3); c.64080del, p.Phe21361fs (NM_133437.4); short protein forms F21169fs, F21294fs, F21361fs, F27666fs, F28593fs, F30234fs.
Identifiers: ClinVar variation 1067440 (VCV001067440.9), dbSNP rs2154151080, ClinGen allele CA2499215318.

ClinVar aggregate classification (germline): Likely pathogenic (1 of 4 stars; one submission).

Conditions:
Dilated cardiomyopathy 1G (CMD1G). Identifiers: Orphanet 154, MedGen C1858763, MONDO:0011400, OMIM 604145.
Autosomal recessive limb-girdle muscular dystrophy type 2J (LGMDR10). Also called: Limb-girdle muscular dystrophy, type 2J; MUSCULAR DYSTROPHY, LIMB-GIRDLE, AUTOSOMAL RECESSIVE 10. Identifiers: Orphanet 140922, MedGen C1837342, MONDO:0012127, OMIM 608807.

Submission:

Labcorp Genetics (formerly Invitae), Labcorp
Classification: Likely pathogenic for Dilated cardiomyopathy 1G; Autosomal recessive limb-girdle muscular dystrophy type 2J. Last evaluated: 2022-03-09. Review status: criteria provided, single submitter. Criteria: Invitae Variant Classification Sherloc (09022015). Collection method: clinical testing. Allele origin: germline.
Comment: In summary, the currently available evidence indicates that the variant is pathogenic, but additional data are needed to prove that conclusively. Therefore, this variant has been classified as Likely Pathogenic. This sequence change creates a premature translational stop signal (p.Phe30234Leufs*56) in the TTN gene. While this is not anticipated to result in nonsense mediated decay, it is expected to create a truncated TTN protein. This variant is not present in population databases (gnomAD no frequency). This variant has not been reported in the literature in individuals affected with TTN-related conditions. ClinVar contains an entry for this variant (Variation ID: 1067440). This variant is located in the A band of TTN (PMID: 25589632). Truncating variants in this region are significantly overrepresented in patients affected with dilated cardiomyopathy (PMID: 25589632). Truncating variants in this region have also been reported in individuals affected with autosomal recessive centronuclear myopathy (PMID: 23975875).

Literature cited by the submitters: PubMed 25589632; PubMed 23975875.